The following is an entry in ClinVar:

ClinVar aggregate classification (germline): Uncertain significance (1 of 4 stars; one submission).

Conditions:
Neuroblastoma, susceptibility to, 3. Also called: ALK-Related Neuroblastic Tumor Susceptibility. Identifiers: Orphanet 635, MedGen C2751681, MONDO:0013083, OMIM 613014.

gnomAD v4.1: 1 of 1,614,108 alleles (0.000062%); highest among the groups gnomAD compares: Non-Finnish European, 0.000085%; no homozygotes.

Submission:

Labcorp Genetics (formerly Invitae), Labcorp
Classification: Uncertain significance for Neuroblastoma, susceptibility to, 3. Last evaluated: 2025-08-20. Review status: criteria provided, single submitter. Criteria: Invitae Variant Classification Sherloc (09022015). Collection method: clinical testing. Allele origin: germline.
Comment: This sequence change replaces asparagine, which is neutral and polar, with tyrosine, which is neutral and polar, at codon 1095 of the ALK protein (p.Asn1095Tyr). This variant is not present in population databases (gnomAD no frequency). This variant has not been reported in the literature in individuals affected with ALK-related conditions. An algorithm developed to predict the effect of missense changes on protein structure and function (PolyPhen-2) suggests that this variant is likely to be disruptive. In summary, the available evidence is currently insufficient to determine the role of this variant in disease. Therefore, it has been classified as a Variant of Uncertain Significance.

NM_004304.5(ALK):c.3283A>T (p.Asn1095Tyr)

Gene: ALK (ALK receptor tyrosine kinase; minus strand). Cytogenetic location: 2p23.2.
Variant type: single nucleotide variant.
Coding change: c.3283A>T on transcript NM_004304.5 (MANE Select); coding-DNA position 3283, A replaced by T.
Protein change: p.Asn1095Tyr; replaces asparagine 1095 with tyrosine.
Molecular consequence: missense variant.
Genome position (GRCh38, 1-based): chr2:29,223,418, T>A on the plus strand (A>T on the coding strand, the complement: ALK is on the minus strand). VCF-style: chr2-29223418-T-A. GRCh37 (hg19) VCF-style: chr2-29446284-T-A.
Other names: c.79A>T, p.Asn27Tyr (NM_001353765.2); short protein forms N1095Y, N27Y.
Identifiers: ClinVar variation 4750925 (VCV004750925.1).
Genomic context (GRCh38, chr2:29,223,418, plus strand): 5'-TTTTCCGCGGCACCTCCTTCAGGTCACTGATGGAGGAGGTCTTGCCAGCAAAGCAGTAGT[T>A]GGGGTTGTAGTCGGTCATGATGGTCGAGGTGCGGAGCTTGCTCAGCTTGTACTCAGGGCT-3'
Protein context (NP_004295.2, residues 1085-1105): TSTIMTDYNP[Asn1095Tyr]YCFAGKTSSI